The following is an entry in ClinVar:

ClinVar aggregate classification (germline): Uncertain significance. Review status: criteria provided, multiple submitters, no conflicts (2 of 4 stars). 9 submissions from 9 submitters: Uncertain significance (9). Last evaluated 2026-01-20.

Conditions:
Cardiovascular phenotype. Identifiers: MedGen CN230736.
Arrhythmogenic right ventricular cardiomyopathy (ARVD). Also called: Arrhythmogenic cardiomyopathy; Arrhythmogenic Right Ventricular Cardiomyopathy (ARVC); Cardiomyopathy, ARVC; Arrhythmogenic right ventricular dysplasia. Identifiers: Orphanet 247, MedGen C0349788, MeSH D019571, MONDO:0016587. Disease mechanism: loss of function. Inheritance: Various modes of inheritance.
Cardiomyopathy (CMYO). Also called: Cardiomyopathies. Identifiers: Orphanet 167848, MedGen C0878544, MONDO:0004994, HP:0001638. Inheritance: Various modes of inheritance.
Arrhythmogenic right ventricular dysplasia 10. Also called: Arrhythmogenic Right Ventricular Dysplasia/Cardiomyopathy10; Arrhythmogenic right ventricular dysplasia/cardiomyopathy, type 10; ARRHYTHMOGENIC RIGHT VENTRICULAR DYSPLASIA, FAMILIAL, 10. Identifiers: MedGen C1857777, MONDO:0012434, OMIM 610193.

Allele frequency attached by ClinVar (database versions not stated): TOPMed 0.00002; gnomAD 0.00005 and 0.00004; ExAC 0.00001; gnomAD exomes 0.00001 and 0.00002.
gnomAD v4.1: 27 of 1,604,708 alleles (0.0017%); highest among the groups gnomAD compares: Middle Eastern, 0.017%; no homozygotes.

Submissions (9):

Labcorp Genetics (formerly Invitae), Labcorp
Classification: Uncertain significance for Arrhythmogenic right ventricular dysplasia 10. Last evaluated: 2026-01-20. Review status: criteria provided, single submitter. Criteria: Invitae Variant Classification Sherloc (09022015). Collection method: clinical testing. Allele origin: germline.
Comment: This sequence change replaces glycine, which is neutral and non-polar, with arginine, which is basic and polar, at codon 759 of the DSG2 protein (p.Gly759Arg). This variant is present in population databases (rs765793636, gnomAD 0.008%). This variant has not been reported in the literature in individuals affected with DSG2-related conditions. ClinVar contains an entry for this variant (Variation ID: 422190). Invitae Evidence Modeling of protein sequence and biophysical properties (such as structural, functional, and spatial information, amino acid conservation, physicochemical variation, residue mobility, and thermodynamic stability) indicates that this missense variant is not expected to disrupt DSG2 protein function with a negative predictive value of 95%. In summary, the available evidence is currently insufficient to determine the role of this variant in disease. Therefore, it has been classified as a Variant of Uncertain Significance.

Ambry Genetics
Classification: Uncertain significance for Cardiovascular phenotype. Last evaluated: 2025-11-12. Review status: criteria provided, single submitter. Criteria: Ambry Variant Classification Scheme 2023. Collection method: clinical testing. Allele origin: germline.

Dasa
Classification: Uncertain significance for arrhythmogenic right ventricular cardiomyopathy. Last evaluated: 2025-09-15. Review status: criteria provided, single submitter. Criteria: DASA Assertion Criteria. Collection method: clinical testing. Allele origin: germline.
Comment: NM_001943.5(DSG2):c.2275G>A (p.Gly759Arg) is a missense variant that results in the substitution of glycine with arginine. This variant is rare in population databases. The currently available literature and clinical evidence are not sufficient to establish a definitive association between this variant and the reported condition. Therefore, this variant is classified as a variant of uncertain significance.

GeneDx
Classification: Uncertain significance. Last evaluated: 2024-12-16. Review status: criteria provided, single submitter. Criteria: GeneDx Variant Classification Process June 2021. Collection method: clinical testing. Allele origin: germline. Affected: yes.
Comment: In silico analysis indicates that this missense variant does not alter protein structure/function; Has not been previously published as pathogenic or benign to our knowledge

All of Us Research Program, National Institutes of Health
Classification: Uncertain significance for Arrhythmogenic right ventricular cardiomyopathy. Last evaluated: 2024-07-10. Review status: criteria provided, single submitter. Criteria: ACMG Guidelines, 2015. Collection method: clinical testing. Allele origin: germline. Inheritance: Autosomal dominant inheritance. Observed: 2 variant alleles, 2 heterozygotes.
Comment: This missense variant replaces glycine with arginine at codon 759 of the DSG2 protein. Computational prediction suggests that this variant may not impact protein structure and function (internally defined REVEL score threshold <= 0.5, PMID: 27666373). To our knowledge, functional studies have not been reported for this variant. This variant has not been reported in individuals affected with cardiovascular disorders in the literature. This variant has been identified in 7/273802 chromosomes in the general population by the Genome Aggregation Database (gnomAD). The available evidence is insufficient to determine the role of this variant in disease conclusively. Therefore, this variant is classified as a Variant of Uncertain Significance.

This study involves interpretation of variants in research participants for the purpose of population health screening. Participant phenotype was not available at the time of variant classification. Additional details can be found in publication PMID: 35346344, PMCID: PMC8962531

Color Diagnostics, LLC DBA Color Health
Classification: Uncertain significance for Cardiomyopathy. Last evaluated: 2024-03-06. Review status: criteria provided, single submitter. Criteria: ACMG Guidelines, 2015. Collection method: clinical testing. Allele origin: germline.
Comment: This missense variant replaces glycine with arginine at codon 759 of the DSG2 protein. Computational prediction suggests that this variant may not impact protein structure and function (internally defined REVEL score threshold <= 0.5, PMID: 27666373). To our knowledge, functional studies have not been reported for this variant. This variant has not been reported in individuals affected with DSG2-related disorders in the literature. This variant has been identified in 7/273802 chromosomes in the general population by the Genome Aggregation Database (gnomAD). The available evidence is insufficient to determine the role of this variant in disease conclusively. Therefore, this variant is classified as a Variant of Uncertain Significance.

Clinical Genetics Laboratory, Skane University Hospital Lund
Classification: Uncertain significance. Last evaluated: 2023-06-19. Review status: criteria provided, single submitter. Criteria: ACMG Guidelines, 2015. Collection method: clinical testing. Allele origin: germline. Affected: yes.

Centre for Mendelian Genomics, University Medical Centre Ljubljana
Classification: Uncertain significance for Arrhythmogenic right ventricular dysplasia 10. Last evaluated: 2020-03-12. Review status: criteria provided, single submitter. Criteria: ACMG Guidelines, 2015. Collection method: clinical testing. Allele origin: unknown. Affected: yes.
Comment: This variant was classified as: Uncertain significance. The available evidence on this variant's pathogenicity is insufficient or conflicting. The following ACMG criteria were applied in classifying this variant: No criteria apply.

Illumina Laboratory Services, Illumina
Classification: Uncertain significance for Arrhythmogenic right ventricular dysplasia 10. Last evaluated: 2018-01-13. Review status: criteria provided, single submitter. Criteria: ICSL Variant Classification Criteria 13 December 2019. Collection method: clinical testing. Allele origin: germline.

NM_001943.5(DSG2):c.2275G>A (p.Gly759Arg)

Genes: DSG2 (desmoglein 2; plus strand), DSG2-AS1 (DSG2 antisense RNA 1; minus strand). Cytogenetic location: 18q12.1.
Variant type: single nucleotide variant.
Coding change: c.2275G>A on transcript NM_001943.5 (MANE Select); coding-DNA position 2275, G replaced by A.
Protein change: p.Gly759Arg; replaces glycine 759 with arginine.
Molecular consequence: missense variant.
Genome position (GRCh38, 1-based): chr18:31,542,793, G>A. VCF-style: chr18-31542793-G-A. GRCh37 (hg19) VCF-style: chr18-29122756-G-A.
Other names: c.2275G>A (LRG_397t1); short protein forms G759R.
Identifiers: ClinVar variation 422190 (VCV000422190.28), dbSNP rs765793636, ClinGen allele CA045394.